The following is an entry in ClinVar:

ClinVar aggregate classification (germline): Uncertain significance (1 of 4 stars; one submission).

gnomAD v4.1: 1 of 1,612,890 alleles (0.000062%); highest among the groups gnomAD compares: African/African-American, 0.0013%; no homozygotes.

Submission:

Labcorp Genetics (formerly Invitae), Labcorp
Classification: Uncertain significance. Last evaluated: 2026-01-06. Review status: criteria provided, single submitter. Criteria: Invitae Variant Classification Sherloc (09022015). Collection method: clinical testing. Allele origin: germline.
Comment: This sequence change replaces serine, which is neutral and polar, with proline, which is neutral and non-polar, at codon 113 of the SERPING1 protein (p.Ser113Pro). This variant is not present in population databases (gnomAD no frequency). This variant has not been reported in the literature in individuals affected with SERPING1-related conditions. Invitae Evidence Modeling of protein sequence and biophysical properties (such as structural, functional, and spatial information, amino acid conservation, physicochemical variation, residue mobility, and thermodynamic stability) indicates that this missense variant is expected to disrupt SERPING1 protein function with a positive predictive value of 80%. In summary, the available evidence is currently insufficient to determine the role of this variant in disease. Therefore, it has been classified as a Variant of Uncertain Significance.

NM_000062.3(SERPING1):c.337T>C (p.Ser113Pro)

Gene: SERPING1 (serpin family G member 1; plus strand). Cytogenetic location: 11q12.1.
Variant type: single nucleotide variant.
Coding change: c.337T>C on transcript NM_000062.3 (MANE Select); coding-DNA position 337, T replaced by C.
Protein change: p.Ser113Pro; replaces serine 113 with proline.
Molecular consequence: missense variant.
Genome position (GRCh38, 1-based): chr11:57,600,164, T>C. VCF-style: chr11-57600164-T-C. GRCh37 (hg19) VCF-style: chr11-57367637-T-C.
Other names: c.337T>C, p.Ser113Pro (NM_001032295.2); short protein forms S113P.
Identifiers: ClinVar variation 4775757 (VCV004775757.1).
Genomic context (GRCh38, chr11:57,600,164, plus strand): 5'-GAGCCCACCACCCAACCCACCATCCAACCCACCCAACCAACTACCCAGCTCCCAACAGAT[T>C]CTCCTACCCAGCCCACTACTGGGTCCTTCTGCCCAGGACCTGTTACTCTCTGCTCTGACT-3'
Protein context (NP_000053.2, residues 103-123): TQPTTQLPTD[Ser113Pro]PTQPTTGSFC